The following is an entry in ClinVar:

NM_013432.5(TONSL):c.1633G>A (p.Val545Ile)

Genes: TONSL (tonsoku like, DNA repair protein; minus strand), TONSL-AS1 (TONSL antisense RNA 1; plus strand). Cytogenetic location: 8q24.3.
Variant type: single nucleotide variant.
Coding change: c.1633G>A on transcript NM_013432.5 (MANE Select); coding-DNA position 1633, G replaced by A.
Protein change: p.Val545Ile; replaces valine 545 with isoleucine.
Molecular consequence: missense variant.
Genome position (GRCh38, 1-based): chr8:144,438,491, C>T on the plus strand (G>A on the coding strand, the complement: TONSL is on the minus strand). VCF-style: chr8-144438491-C-T. GRCh37 (hg19) VCF-style: chr8-145663874-C-T.
Other names: c.1633G>A (NM_013432.4); short protein forms V545I.
Identifiers: ClinVar variation 1658833 (VCV001658833.9), dbSNP rs202000622, ClinGen allele CA4943135.
Genomic context (GRCh38, chr8:144,438,491, plus strand): 5'-ATGCTAGGCAGCCTGTCCCACGTCCCAGAGCGGGGCCCACCTGCCTCACAAGGTCCTGGA[C>T]GCGGCGCAGCTGGCCCTCGATGCAGGCTCGGTGCAGCAGGGTCTCCCCCATGTCGTTTCG-3'
Protein context (NP_038460.4, residues 535-555): RACIEGQLRR[Val545Ile]QDLVRQGHPL

ClinVar aggregate classification (germline): Likely benign. Review status: criteria provided, multiple submitters, no conflicts (2 of 4 stars). 2 submissions from 2 submitters: Likely benign (2). Last evaluated 2026-07-06.

Conditions:
TONSL-related disorder. Also called: TONSL-related condition.

Allele frequency attached by ClinVar (database versions not stated): gnomAD 0.00028 and 0.00031; ESP Exome Variant Server 0.00031; ExAC 0.00032; gnomAD exomes 0.00043; TOPMed 0.00048; 1000 Genomes Project 0.00120; 1000 Genomes Project 30x 0.00125.
gnomAD v4.1: 278 of 1,613,002 alleles (0.017%); highest among the groups gnomAD compares: East Asian, 0.33%; no homozygotes.

Submissions (2):

PreventionGenetics, part of Exact Sciences
Classification: Likely benign for TONSL-related condition. Last evaluated: 2026-07-06. Review status: criteria provided, single submitter. Criteria: ACMG Guidelines, 2015. Collection method: clinical testing. Allele origin: germline.
Comment: This variant is classified as likely benign based on ACMG/AMP sequence variant interpretation guidelines (Richards et al. 2015 PMID: 25741868, with internal and published modifications).

Labcorp Genetics (formerly Invitae), Labcorp
Classification: Likely benign. Last evaluated: 2026-01-18. Review status: criteria provided, single submitter. Criteria: Invitae Variant Classification Sherloc (09022015). Collection method: clinical testing. Allele origin: germline.